The following is an entry in ClinVar:

NM_018003.4(UACA):c.2338T>A (p.Leu780Met)

Gene: UACA (uveal autoantigen with coiled-coil domains and ankyrin repeats; minus strand). Cytogenetic location: 15q23.
Variant type: single nucleotide variant.
Coding change: c.2338T>A on transcript NM_018003.4 (MANE Select); coding-DNA position 2338, T replaced by A.
Protein change: p.Leu780Met; replaces leucine 780 with methionine.
Molecular consequence: missense variant.
Genome position (GRCh38, 1-based): chr15:70,668,346, A>T on the plus strand (T>A on the coding strand, the complement: UACA is on the minus strand). VCF-style: chr15-70668346-A-T. GRCh37 (hg19) VCF-style: chr15-70960685-A-T.
Other names: c.2299T>A, p.Leu767Met (NM_001008224.3); short protein forms L767M, L780M.
Identifiers: ClinVar variation 3055491 (VCV003055491.2), dbSNP rs114734080, ClinGen allele CA7637020.

ClinVar aggregate classification (germline): Benign (0 of 4 stars; one submission).

Conditions:
UACA-related disorder. Also called: UACA-related condition.

Allele frequency attached by ClinVar (database versions not stated): ExAC 0.00332; gnomAD 0.01017; TOPMed 0.01158; 1000 Genomes Project 0.01238; ESP Exome Variant Server 0.01270; 1000 Genomes Project 30x 0.01374.
gnomAD v4.1: 3,026 of 1,608,854 alleles (0.19%); highest among the groups gnomAD compares: African/African-American, 3.6%; 58 homozygotes.

Submission:

PreventionGenetics, part of Exact Sciences
Classification: Benign for UACA-related condition. Last evaluated: 2019-06-02. Review status: no assertion criteria provided. Collection method: clinical testing. Allele origin: germline.
Comment: This variant is classified as benign based on ACMG/AMP sequence variant interpretation guidelines (Richards et al. 2015 PMID: 25741868, with internal and published modifications).